The following is an entry in ClinVar:

NM_020800.3(IFT80):c.1961del (p.Asn654fs)

Genes: TRIM59-IFT80 (TRIM59-IFT80 readthrough (NMD candidate); minus strand), IFT80 (intraflagellar transport 80; minus strand). Cytogenetic location: 3q25.33.
Variant type: Deletion.
Coding change: c.1961del on transcript NM_020800.3 (MANE Select); coding-DNA position 1961, one base deleted (A; older notation c.1961delA).
Protein change: p.Asn654fs; shifts the reading frame from asparagine 654.
Molecular consequence: frameshift variant. On other transcripts: non-coding transcript variant (3).
Genome position (GRCh38, 1-based): chr3:160,277,444, T deleted on the plus strand (A on the coding strand, the reverse complement: IFT80 is on the minus strand); the first of 6 consecutive T bases (chr3:160,277,444-160,277,449); deleting any one gives the same sequence. VCF-style (leftmost placement, unchanged base first): chr3-160277443-AT-A. GRCh37 (hg19) VCF-style: chr3-159995231-AT-A.
Other names: c.1550del, p.Asn517fs (NM_001190241.2, NM_001190242.2); short protein forms N517fs, N654fs.
Identifiers: ClinVar variation 935920 (VCV000935920.7), dbSNP rs779179710, ClinGen allele CA2684998.
Genomic context (GRCh38, chr3:160,277,443, plus strand): 5'-CTCCTGTATGTTCCCACTAAACAGTAGTATGTGGGCCATTTTTGATTCTTTAGATGGAAG[AT>A]TTTTTATAGAATTGATGTACTGAACCTTATCAATCTAAAAAAGAAAAGAAAAATATTGAA-3'

ClinVar aggregate classification (germline): Pathogenic (1 of 4 stars; one submission).

Conditions:
Jeune thoracic dystrophy. Also called: Jeune syndrome; Infantile thoracic dystrophy; Thoracic pelvic phalangeal dystrophy; Jeune's syndrome; Chondroectodermal dysplasia-like syndrome; Short-rib thoracic dysplasia. Identifiers: Orphanet 474, MedGen C0265275, MONDO:0018770.

Submission:

Labcorp Genetics (formerly Invitae), Labcorp
Classification: Pathogenic for Jeune thoracic dystrophy. Last evaluated: 2024-05-29. Review status: criteria provided, single submitter. Criteria: Invitae Variant Classification Sherloc (09022015). Collection method: clinical testing. Allele origin: germline.
Comment: This sequence change creates a premature translational stop signal (p.Asn654Ilefs*24) in the IFT80 gene. It is expected to result in an absent or disrupted protein product. Loss-of-function variants in IFT80 are known to be pathogenic (PMID: 21227999, 23339108, 29068549). This variant is present in population databases (rs779179710, gnomAD 0.003%). This variant has not been reported in the literature in individuals affected with IFT80-related conditions. ClinVar contains an entry for this variant (Variation ID: 935920). For these reasons, this variant has been classified as Pathogenic.

Literature cited by the submitters: PubMed 21227999; PubMed 23339108; PubMed 29068549.